The following is an entry in ClinVar:

NM_178543.5(ENPP7):c.1177C>T (p.Arg393Trp)

Gene: ENPP7 (ectonucleotide pyrophosphatase/phosphodiesterase 7; plus strand). Cytogenetic location: 17q25.3.
Variant type: single nucleotide variant.
Coding change: c.1177C>T on transcript NM_178543.5 (MANE Select); coding-DNA position 1177, C replaced by T.
Protein change: p.Arg393Trp; replaces arginine 393 with tryptophan.
Molecular consequence: missense variant.
Genome position (GRCh38, 1-based): chr17:79,737,191, C>T. VCF-style: chr17-79737191-C-T. GRCh37 (hg19) VCF-style: chr17-77710990-C-T.
Other names: short protein forms R393W.
Identifiers: ClinVar variation 2648386 (VCV002648386.24), dbSNP rs139719997, ClinGen allele CA8810874.

ClinVar aggregate classification (germline): Likely benign (1 of 4 stars; one submission).

Allele frequency attached by ClinVar (database versions not stated): 1000 Genomes Project 30x 0.00125; 1000 Genomes Project 0.00140; TOPMed 0.00244; ESP Exome Variant Server 0.00254; gnomAD 0.00259; gnomAD exomes 0.00331; ExAC 0.00339.
gnomAD v4.1: 5,215 of 1,613,286 alleles (0.32%); highest among the groups gnomAD compares: Middle Eastern, 0.56%; 14 homozygotes.

Submission:

CeGaT Center for Human Genetics Tuebingen
Classification: Likely benign. Last evaluated: 2023-04-01. Review status: criteria provided, single submitter. Criteria: CeGaT Center For Human Genetics Tuebingen Variant Classification Criteria Version 2. Collection method: clinical testing. Allele origin: germline. Affected: yes. Observed: 1 variant allele.
Comment: ENPP7: BP4, BS2